The following is an entry in ClinVar:

NM_018670.4(MESP1):c.182T>G (p.Leu61Arg)

Genes: MESP1 (mesoderm posterior bHLH transcription factor 1; minus strand), LOC130057889 (ATAC-STARR-seq lymphoblastoid silent region 6804; plus strand). Cytogenetic location: 15q26.1.
Variant type: single nucleotide variant.
Coding change: c.182T>G on transcript NM_018670.4 (MANE Select); coding-DNA position 182, T replaced by G.
Protein change: p.Leu61Arg; replaces leucine 61 with arginine.
Molecular consequence: missense variant.
Genome position (GRCh38, 1-based): chr15:89,751,050, A>C on the plus strand (T>G on the coding strand, the complement: MESP1 is on the minus strand). VCF-style: chr15-89751050-A-C. GRCh37 (hg19) VCF-style: chr15-90294281-A-C.
Other names: c.182T>G (NM_018670.3); short protein forms L61R.
Identifiers: ClinVar variation 1548747 (VCV001548747.11), dbSNP rs28368490, ClinGen allele CA7730281.

ClinVar aggregate classification (germline): Benign. Review status: criteria provided, multiple submitters, no conflicts (2 of 4 stars). 3 submissions from 3 submitters: Benign (2). 1 of the submissions does not count toward it. Last evaluated 2026-02-03.

Conditions:
MESP1-related disorder. Also called: MESP1-related condition.

Allele frequency attached by ClinVar (database versions not stated): ExAC 0.09065; 1000 Genomes Project 0.25559; 1000 Genomes Project 30x 0.26202; gnomAD 0.26782 and 0.27198; gnomAD exomes 0.02668; TOPMed 0.27318.

Submissions (3):

Labcorp Genetics (formerly Invitae), Labcorp
Classification: Benign. Last evaluated: 2026-02-03. Review status: criteria provided, single submitter. Criteria: Invitae Variant Classification Sherloc (09022015). Collection method: clinical testing. Allele origin: germline.

Breakthrough Genomics
Classification: Benign. Review status: criteria provided, single submitter. Criteria: ACMG Guidelines, 2015. Collection method: not provided. Allele origin: germline. Inheritance: Unknown mechanism. Affected: yes.

PreventionGenetics, part of Exact Sciences
Classification: Benign for MESP1-related condition. Last evaluated: 2019-11-11. Review status: no assertion criteria provided. Collection method: clinical testing. Allele origin: germline. Not counted in ClinVar's aggregate classification.
Comment: This variant is classified as benign based on ACMG/AMP sequence variant interpretation guidelines (Richards et al. 2015 PMID: 25741868, with internal and published modifications).